The following is an entry in ClinVar:

ClinVar aggregate classification (germline): Benign/Likely benign. Review status: criteria provided, multiple submitters, no conflicts (2 of 4 stars). 3 submissions from 3 submitters: Benign (1); Likely benign (2). Last evaluated 2025-06-14.

Conditions:
Hereditary cancer-predisposing syndrome. Also called: Tumor predisposition; Neoplastic Syndromes, Hereditary; Hereditary Cancer Syndrome; Hereditary neoplastic syndrome. Identifiers: Orphanet 140162, MedGen C0027672, MeSH D009386, MONDO:0015356.
Colorectal cancer, susceptibility to, 12 (CRCS12). Also called: COLORECTAL CANCER, SUSCEPTIBILITY TO, ON CHROMOSOME 12q24. Identifiers: Orphanet 220460, MedGen C3554460, MONDO:0014038, OMIM 615083.

Allele frequency attached by ClinVar (database versions not stated): gnomAD exomes below 0.00001; TOPMed below 0.00001.
gnomAD v4.1: 1 of 1,607,516 alleles (0.000062%); highest among the groups gnomAD compares: Non-Finnish European, 0.000085%; no homozygotes.

Submissions (3):

Labcorp Genetics (formerly Invitae), Labcorp
Classification: Likely benign. Last evaluated: 2025-06-14. Review status: criteria provided, single submitter. Criteria: Invitae Variant Classification Sherloc (09022015). Collection method: clinical testing. Allele origin: germline.

Myriad Genetics, Inc.
Classification: Benign for Colorectal cancer, susceptibility to, 12. Last evaluated: 2025-02-11. Review status: criteria provided, single submitter. Criteria: Myriad Autosomal Dominant, Autosomal Recessive and X-Linked Classification Criteria (2023). Collection method: clinical testing. Allele origin: unknown.
Comment: This variant is considered benign. This variant is a silent/synonymous amino acid change and it is not expected to impact splicing.

Ambry Genetics
Classification: Likely benign for Hereditary cancer-predisposing syndrome. Last evaluated: 2019-12-14. Review status: criteria provided, single submitter. Criteria: Ambry Variant Classification Scheme 2023. Collection method: clinical testing. Allele origin: germline.

NM_006231.4(POLE):c.1458C>A (p.Pro486=)

Gene: POLE (DNA polymerase epsilon, catalytic subunit; minus strand). Cytogenetic location: 12q24.33.
Variant type: single nucleotide variant.
Coding change: c.1458C>A on transcript NM_006231.4 (MANE Select); coding-DNA position 1458, C replaced by A.
Protein change: p.Pro486=; no amino-acid change (proline 486 retained).
Molecular consequence: synonymous variant.
Genome position (GRCh38, 1-based): chr12:132,673,179, G>T on the plus strand (C>A on the coding strand, the complement: POLE is on the minus strand). VCF-style: chr12-132673179-G-T. GRCh37 (hg19) VCF-style: chr12-133249765-G-T.
Identifiers: ClinVar variation 1582287 (VCV001582287.11), dbSNP rs2042969575, ClinGen allele CA482722657.